The following is an entry in ClinVar:

NM_001371623.1(TCOF1):c.3628C>T (p.Pro1210Ser)

Gene: TCOF1 (treacle ribosome biogenesis factor 1; plus strand). Cytogenetic location: 5q32.
Variant type: single nucleotide variant.
Coding change: c.3628C>T on transcript NM_001371623.1 (MANE Select); coding-DNA position 3628, C replaced by T.
Protein change: p.Pro1210Ser; replaces proline 1210 with serine.
Molecular consequence: missense variant.
Genome position (GRCh38, 1-based): chr5:150,393,396, C>T. VCF-style: chr5-150393396-C-T. GRCh37 (hg19) VCF-style: chr5-149772959-C-T.
Other names: c.3394C>T, p.Pro1132Ser (NM_000356.4); c.3625C>T, p.Pro1209Ser (NM_001135243.2); c.3514C>T, p.Pro1172Ser (NM_001135244.2); c.3397C>T, p.Pro1133Ser (NM_001135245.2); c.3511C>T, p.Pro1171Ser (NM_001195141.2); short protein forms P1132S, P1209S, P1172S, P1133S, P1171S, P1210S.
Identifiers: ClinVar variation 352231 (VCV000352231.12), dbSNP rs558530968, ClinGen allele CA3511569.

ClinVar aggregate classification (germline): Benign/Likely benign. Review status: criteria provided, multiple submitters, no conflicts (2 of 4 stars). 4 submissions from 4 submitters: Benign (2); Likely benign (1). 1 of the submissions does not count toward it. Last evaluated 2025-03-26.

Conditions:
Treacher Collins syndrome 1 (TCS1). Also called: TCOF1-Related Treacher Collins Syndrome. Identifiers: Orphanet 861, MedGen CN315775, MONDO:0007944, OMIM 154500.
TCOF1-related disorder. Also called: TCOF1-related condition.

Allele frequency attached by ClinVar (database versions not stated): gnomAD 0.00005 and 0.00021; TOPMed 0.00007; gnomAD exomes 0.00052; ExAC 0.00057; 1000 Genomes Project 30x 0.00094; 1000 Genomes Project 0.00120.
gnomAD v4.1: 432 of 1,614,092 alleles (0.027%); highest among the groups gnomAD compares: South Asian, 0.35%; 2 homozygotes.

Submissions (4):

Labcorp Genetics (formerly Invitae), Labcorp
Classification: Benign for Treacher Collins syndrome 1. Last evaluated: 2025-03-26. Review status: criteria provided, single submitter. Criteria: Invitae Variant Classification Sherloc (09022015). Collection method: clinical testing. Allele origin: germline.

PreventionGenetics, part of Exact Sciences
Classification: Likely benign for TCOF1-related condition. Last evaluated: 2024-12-18. Review status: criteria provided, single submitter. Criteria: ACMG Guidelines, 2015. Collection method: clinical testing. Allele origin: germline.
Comment: This variant is classified as likely benign based on ACMG/AMP sequence variant interpretation guidelines (Richards et al. 2015 PMID: 25741868, with internal and published modifications).

GeneDx
Classification: Benign. Last evaluated: 2019-08-27. Review status: criteria provided, single submitter. Criteria: GeneDx Variant Classification Process June 2021. Collection method: clinical testing. Allele origin: germline. Affected: yes.

Department of Pathology and Laboratory Medicine, Sinai Health System
Classification: Uncertain significance. Review status: no assertion criteria provided. Collection method: clinical testing. Allele origin: unknown. Affected: yes. Study: The Canadian Open Genetics Repository (COGR). Not counted in ClinVar's aggregate classification.
Comment: The TCOF1 p.Pro1132Ser variant was not identified in the literature nor was it identified in Cosmic or LOVD 3.0. The variant was identified in dbSNP (ID: rs558530968) and ClinVar (classified as a VUS by Illumina). The variant was also identified in control databases in 132 of 282798 chromosomes at a frequency of 0.000467 increasing the likelihood this could be a low frequency benign variant (Genome Aggregation Database Feb 27, 2017). The variant was observed in the following populations: South Asian in 104 of 30616 chromosomes (freq: 0.003397), Ashkenazi Jewish in 22 of 10370 chromosomes (freq: 0.002122) and European (non-Finnish) in 6 of 129128 chromosomes (freq: 0.000046), while the variant was not observed in the African, Latino, East Asian, European (Finnish), and Other populations. The p.Pro1132 residue is not conserved in mammals and computational analyses (PolyPhen-2, SIFT, AlignGVGD, BLOSUM, MutationTaster) provide inconsistent predictions regarding the impact to the protein; this information is not very predictive of pathogenicity. The variant occurs outside of the splicing consensus sequence and in silico or computational prediction software programs (SpliceSiteFinder, MaxEntScan, NNSPLICE, GeneSplicer) do not predict a difference in splicing. In summary, based on the above information the clinical significance of this variant cannot be determined with certainty at this time. This variant is classified as a variant of uncertain significance.